The following is an entry in ClinVar:

NM_005121.3(MED13):c.2468C>T (p.Ser823Phe)

Gene: MED13 (mediator complex subunit 13; minus strand). Cytogenetic location: 17q23.2.
Variant type: single nucleotide variant.
Coding change: c.2468C>T on transcript NM_005121.3 (MANE Select); coding-DNA position 2468, C replaced by T.
Protein change: p.Ser823Phe; replaces serine 823 with phenylalanine.
Molecular consequence: missense variant.
Genome position (GRCh38, 1-based): chr17:61,985,008, G>A on the plus strand (C>T on the coding strand, the complement: MED13 is on the minus strand). VCF-style: chr17-61985008-G-A. GRCh37 (hg19) VCF-style: chr17-60062369-G-A.
Other names: short protein forms S823F.
Identifiers: ClinVar variation 3893411 (VCV003893411.2).

ClinVar aggregate classification (germline): Uncertain significance (1 of 4 stars; one submission).

gnomAD v4.1: 2 of 1,613,830 alleles (0.00012%); highest among the groups gnomAD compares: South Asian, 0.0022%; no homozygotes.

Submission:

GeneDx
Classification: Uncertain significance. Last evaluated: 2025-12-29. Review status: criteria provided, single submitter. Criteria: GeneDx Variant Classification Process June 2021. Collection method: clinical testing. Allele origin: germline.
Comment: Not observed at significant frequency in large population cohorts (gnomAD); In silico analysis supports that this missense variant has a deleterious effect on protein structure/function; Has not been previously published as pathogenic or benign to our knowledge